The following is an entry in ClinVar:

NM_006421.5(ARFGEF1):c.4244_4245del (p.Tyr1415fs)

Gene: ARFGEF1 (ARF guanine nucleotide exchange factor 1; minus strand). Cytogenetic location: 8q13.2.
Variant type: Microsatellite.
Coding change: c.4244_4245del on transcript NM_006421.5 (MANE Select); coding-DNA positions 4244 to 4245, 2 bases deleted (AT; older notation c.4244_4245delAT).
Protein change: p.Tyr1415fs; shifts the reading frame from tyrosine 1415.
Molecular consequence: frameshift variant.
Genome position (GRCh38, 1-based): chr8:67,219,524-67,219,525, AT deleted on the plus strand (AT on the coding strand, the reverse complement: ARFGEF1 is on the minus strand); deleting any 2 consecutive bases within chr8:67,219,524-67,219,527 gives the same sequence; the c. name uses the placement nearest the transcript's 3' end. VCF-style (leftmost placement, unchanged base first): chr8-67219523-CAT-C. GRCh37 (hg19) VCF-style: chr8-68131758-CAT-C.
Other names: c.4242_4243AT[1], p.Tyr1415Trpfs (NM_001413184.1, NM_001413185.1, NM_001413186.1 and 5 more transcripts); c.3642_3643AT[1], p.Tyr1215Trpfs (NM_001413188.1, NM_001413193.1, NM_001413197.1); c.4236_4237AT[1], p.Tyr1413Trpfs (NM_001413190.1); c.2817_2818AT[1], p.Tyr940Trpfs (NM_001413196.1); short protein forms Y1415fs.
Identifiers: ClinVar variation 1723033 (VCV001723033.3), dbSNP rs2491301318, ClinGen allele CA2580617174.

ClinVar aggregate classification (germline): Pathogenic (1 of 4 stars; one submission).

Submission:

GeneDx
Classification: Pathogenic. Last evaluated: 2025-09-12. Review status: criteria provided, single submitter. Criteria: GeneDx Variant Classification Process June 2021. Collection method: clinical testing. Allele origin: germline. Affected: yes.
Comment: Frameshift variant predicted to result in protein truncation or nonsense mediated decay in a gene for which loss of function is a known mechanism of disease; Not observed at significant frequency in large population cohorts (gnomAD); Has not been previously published as pathogenic or benign to our knowledge